The following is an entry in ClinVar:

ClinVar aggregate classification (germline): Uncertain significance (1 of 4 stars; one submission).

Submission:

Labcorp Genetics (formerly Invitae), Labcorp
Classification: Uncertain significance. Last evaluated: 2025-10-07. Review status: criteria provided, single submitter. Criteria: Invitae Variant Classification Sherloc (09022015). Collection method: clinical testing. Allele origin: germline.
Comment: This variant, c.2363_2365del, results in the deletion of 1 amino acid(s) of the CACNA1D protein (p.Glu788del), but otherwise preserves the integrity of the reading frame. This variant is not present in population databases (gnomAD no frequency). This variant has not been reported in the literature in individuals affected with CACNA1D-related conditions. In summary, the available evidence is currently insufficient to determine the role of this variant in disease. Therefore, it has been classified as a Variant of Uncertain Significance.

NM_001128840.3(CACNA1D):c.2297AAG[2] (p.Glu768del)

Gene: CACNA1D (calcium voltage-gated channel subunit alpha1 D; plus strand). Cytogenetic location: 3p21.1.
Variant type: Microsatellite.
Coding change: c.2297AAG[2] on transcript NM_001128840.3 (MANE Select); two copies in a row of the 3-base unit AAG starting at c.2297; the reference has three copies in a row; one copy, 3 bases deleted.
Protein change: p.Glu768del; deletes glutamic acid 768.
Molecular consequence: inframe deletion.
Genome position (GRCh38, 1-based): chr3:53,730,523-53,730,525, AAG deleted; deleting any 3 consecutive bases within chr3:53,730,517-53,730,525 gives the same sequence; the position shown is the placement nearest the transcript's 3' end. VCF-style (leftmost placement, unchanged base first): chr3-53730516-AAAG-A. GRCh37 (hg19) VCF-style: chr3-53764543-AAAG-A.
Other names: c.2357AAG[2], p.Glu788del (NM_000720.4); c.2297AAG[2], p.Glu768del (NM_001128839.3); short protein forms E788del, E768del.
Identifiers: ClinVar variation 1992735 (VCV001992735.4), dbSNP rs2094979672, ClinGen allele CA1048073813.